The following is an entry in ClinVar:

ClinVar aggregate classification (germline): Uncertain significance (1 of 4 stars; one submission).

Conditions:
Hereditary cancer-predisposing syndrome. Also called: Hereditary Cancer Syndrome; Neoplastic Syndromes, Hereditary; Tumor predisposition; Hereditary neoplastic syndrome. Identifiers: Orphanet 140162, MedGen C0027672, MeSH D009386, MONDO:0015356.

Submission:

Ambry Genetics
Classification: Uncertain significance for Hereditary cancer-predisposing syndrome. Last evaluated: 2022-01-12. Review status: criteria provided, single submitter. Criteria: Ambry Variant Classification Scheme 2023. Collection method: clinical testing. Allele origin: germline.
Comment: The p.Q1701P variant (also known as c.5102A>C), located in coding exon 15 of the APC gene, results from an A to C substitution at nucleotide position 5102. The glutamine at codon 1701 is replaced by proline, an amino acid with similar properties. This amino acid position is conserved. In addition, in silico predictors for this gene do not accurately predict pathogenicity. Since supporting evidence is limited at this time, the clinical significance of this alteration remains unclear.

NM_000038.6(APC):c.5102A>C (p.Gln1701Pro)

Gene: APC (APC regulator of Wnt signaling pathway; plus strand). Cytogenetic location: 5q22.2.
Variant type: single nucleotide variant.
Coding change: c.5102A>C on transcript NM_000038.6 (MANE Select); coding-DNA position 5102, A replaced by C.
Protein change: p.Gln1701Pro; replaces glutamine 1701 with proline.
Molecular consequence: missense variant.
Genome position (GRCh38, 1-based): chr5:112,840,696, A>C. VCF-style: chr5-112840696-A-C. GRCh37 (hg19) VCF-style: chr5-112176393-A-C.
Other names: c.5102A>C, p.Gln1701Pro (NM_001127510.3, NM_001354895.2, NM_001407450.1); c.5048A>C, p.Gln1683Pro (NM_001127511.3); c.5156A>C, p.Gln1719Pro (NM_001354896.2, NM_001407447.1, NM_001407448.1 and 1 more transcripts); c.5132A>C, p.Gln1711Pro (NM_001354897.2); c.5027A>C, p.Gln1676Pro (NM_001354898.2); c.5018A>C, p.Gln1673Pro (NM_001354899.2); c.4979A>C, p.Gln1660Pro (NM_001354900.2); c.4925A>C, p.Gln1642Pro (NM_001354901.2, NM_001407453.1); and 11 more; short protein forms Q1418P, Q1673P, Q1683P, Q1729P, Q1600P, Q1691P, Q1701P, Q1711P.
Identifiers: ClinVar variation 1745359 (VCV001745359.2), dbSNP rs2149932064, ClinGen allele CA16032485.